The following is an entry in ClinVar:

ClinVar aggregate classification (germline): Uncertain significance (1 of 4 stars; one submission).

Conditions:
PLCE1-related disorder. Also called: PLCE1-related condition.

Allele frequency attached by ClinVar (database versions not stated): ExAC 0.00001; TOPMed 0.00001.
gnomAD v4.1: 23 of 1,614,074 alleles (0.0014%); highest among the groups gnomAD compares: South Asian, 0.011%; no homozygotes.

Submission:

PreventionGenetics, part of Exact Sciences
Classification: Uncertain significance for PLCE1-related condition. Last evaluated: 2023-03-28. Review status: criteria provided, single submitter. Criteria: ACMG Guidelines, 2015. Collection method: clinical testing. Allele origin: germline.
Comment: The PLCE1 c.3580G>A variant is predicted to result in the amino acid substitution p.Gly1194Arg. This variant was reported in an individual with steroid-resistant nephrotic syndrome; however, several additional variants were reported in the described patient and pathogenicity was not established with functional or segregation analysis (Supplementary Table 3 in Sen et al. 2017. PubMed ID: 28780565). This variant is reported in 0.0098% of alleles in individuals of South Asian descent in gnomAD. At this time, the clinical significance of this variant is uncertain due to the absence of conclusive functional and genetic evidence.

NM_016341.4(PLCE1):c.3580G>A (p.Gly1194Arg)

Gene: PLCE1 (phospholipase C epsilon 1; plus strand). Cytogenetic location: 10q23.33.
Variant type: single nucleotide variant.
Coding change: c.3580G>A on transcript NM_016341.4 (MANE Select); coding-DNA position 3580, G replaced by A.
Protein change: p.Gly1194Arg; replaces glycine 1194 with arginine.
Molecular consequence: missense variant.
Genome position (GRCh38, 1-based): chr10:94,258,825, G>A. VCF-style: chr10-94258825-G-A. GRCh37 (hg19) VCF-style: chr10-96018582-G-A.
Other names: c.2656G>A, p.Gly886Arg (NM_001165979.2); c.3532G>A, p.Gly1178Arg (NM_001288989.2); short protein forms G1178R, G1194R, G886R.
Identifiers: ClinVar variation 2628753 (VCV002628753.1), dbSNP rs762050661, ClinGen allele CA5612929.
Genomic context (GRCh38, chr10:94,258,825, plus strand): 5'-CCCTTGTGCCCATGAAGGCCTTGTCTTTGTTGCAGTGCTTGGAGCAGTAGTAGCTGGCAC[G>A]GGCGGATCAAAGGCGGCATGAAGGGATTTCAGAGCTTCATGGTTTCAGATAGCAACATGA-3'
Protein context (NP_057425.3, residues 1184-1204): SSAWSSSSWH[Gly1194Arg]RIKGGMKGFQ